The following is an entry in ClinVar:

ClinVar aggregate classification (germline): Uncertain significance (1 of 4 stars; one submission).

Conditions:
Autosomal dominant limb-girdle muscular dystrophy type 1G (LGMDD3). Also called: Limb-girdle muscular dystrophy, type 1G; MUSCULAR DYSTROPHY, LIMB-GIRDLE, AUTOSOMAL DOMINANT 3. Identifiers: Orphanet 55596, MedGen C1836765, MONDO:0012193, OMIM 609115.

gnomAD v4.1: 2 of 1,552,822 alleles (0.00013%); highest among the groups gnomAD compares: Admixed American, 0.002%; no homozygotes.

Submission:

Labcorp Genetics (formerly Invitae), Labcorp
Classification: Uncertain significance for Autosomal dominant limb-girdle muscular dystrophy type 1G. Last evaluated: 2025-11-26. Review status: criteria provided, single submitter. Criteria: Invitae Variant Classification Sherloc (09022015). Collection method: clinical testing. Allele origin: germline.
Comment: This sequence change replaces glutamine, which is neutral and polar, with histidine, which is basic and polar, at codon 64 of the HNRNPDL protein (p.Gln64His). This variant is not present in population databases (gnomAD no frequency). This variant has not been reported in the literature in individuals affected with HNRNPDL-related conditions. ClinVar contains an entry for this variant (Variation ID: 1466332). An algorithm developed to predict the effect of missense changes on protein structure and function (PolyPhen-2) suggests that this variant is likely to be tolerated. In summary, the available evidence is currently insufficient to determine the role of this variant in disease. Therefore, it has been classified as a Variant of Uncertain Significance.

NM_031372.4(HNRNPDL):c.192G>C (p.Gln64His)

Gene: HNRNPDL (heterogeneous nuclear ribonucleoprotein D like; minus strand). Cytogenetic location: 4q21.22.
Variant type: single nucleotide variant.
Coding change: c.192G>C on transcript NM_031372.4 (MANE Select); coding-DNA position 192, G replaced by C.
Protein change: p.Gln64His; replaces glutamine 64 with histidine.
Molecular consequence: missense variant. On other transcripts: non-coding transcript variant (1).
Genome position (GRCh38, 1-based): chr4:82,429,499, C>G on the plus strand (G>C on the coding strand, the complement: HNRNPDL is on the minus strand). VCF-style: chr4-82429499-C-G. GRCh37 (hg19) VCF-style: chr4-83350652-C-G.
Other names: c.192G>C, p.Gln64His (NM_001207000.1); short protein forms Q64H.
Identifiers: ClinVar variation 1466332 (VCV001466332.8), dbSNP rs1255049120, ClinGen allele CA357172834.